The following is an entry in ClinVar:

NM_004415.4(DSP):c.5091T>C (p.Asn1697=)

Gene: DSP (desmoplakin; plus strand). Cytogenetic location: 6p24.3.
Variant type: single nucleotide variant.
Coding change: c.5091T>C on transcript NM_004415.4 (MANE Select); coding-DNA position 5091, T replaced by C.
Protein change: p.Asn1697=; no amino-acid change (asparagine 1697 retained).
Molecular consequence: synonymous variant. On other transcripts: intron variant (2).
Genome position (GRCh38, 1-based): chr6:7,581,281, T>C. VCF-style: chr6-7581281-T-C. GRCh37 (hg19) VCF-style: chr6-7581514-T-C.
Other names: c.4050+1041T>C (NM_001319034.2); c.3583-1361T>C (NM_001008844.3).
Identifiers: ClinVar variation 1171464 (VCV001171464.15), dbSNP rs780353871, ClinGen allele CA043880.

ClinVar aggregate classification (germline): Likely benign. Review status: criteria provided, multiple submitters, no conflicts (2 of 4 stars). 5 submissions from 5 submitters: Likely benign (5). Last evaluated 2025-09-27.

Conditions:
Cardiovascular phenotype. Identifiers: MedGen CN230736.
Cardiomyopathy (CMYO). Also called: Cardiomyopathies. Identifiers: Orphanet 167848, MedGen C0878544, MONDO:0004994, HP:0001638. Inheritance: Various modes of inheritance.
Arrhythmogenic cardiomyopathy with wooly hair and keratoderma. Also called: Dilated cardiomyopathy with woolly hair and keratoderma; PALMOPLANTAR KERATODERMA WITH LEFT VENTRICULAR CARDIOMYOPATHY AND WOOLLY HAIR; Carvajal syndrome; Arrhythmogenic cardiomyopathy with woolly hair and keratoderma. Identifiers: Orphanet 65282, MedGen C1854063, MONDO:0011581, OMIM 605676.
Arrhythmogenic right ventricular dysplasia 8 (ARVD8). Also called: Arrhythmogenic Right Ventricular Dysplasia/Cardiomyopathy 8; ARRHYTHMOGENIC RIGHT VENTRICULAR DYSPLASIA, FAMILIAL, 8; ARRHYTHMOGENIC RIGHT VENTRICULAR CARDIOMYOPATHY 8. Identifiers: MedGen C1843896, MONDO:0011831, OMIM 607450.

Allele frequency attached by ClinVar (database versions not stated): ExAC 0.00001; gnomAD 0.00001; gnomAD exomes 0.00001; TOPMed 0.00001.

Submissions (5):

Labcorp Genetics (formerly Invitae), Labcorp
Classification: Likely benign for Arrhythmogenic cardiomyopathy with wooly hair and keratoderma; Arrhythmogenic right ventricular dysplasia 8. Last evaluated: 2025-09-27. Review status: criteria provided, single submitter. Criteria: Invitae Variant Classification Sherloc (09022015). Collection method: clinical testing. Allele origin: germline.

All of Us Research Program, National Institutes of Health
Classification: Likely benign for Arrhythmogenic cardiomyopathy with wooly hair and keratoderma. Last evaluated: 2024-02-05. Review status: criteria provided, single submitter. Criteria: ACMG Guidelines, 2015. Collection method: clinical testing. Allele origin: germline. Inheritance: Autosomal dominant inheritance. Observed: 1 variant allele, 1 heterozygote.
Comment: This study involves interpretation of variants in research participants for the purpose of population health screening. Participant phenotype was not available at the time of variant classification. Additional details can be found in publication PMID: 35346344, PMCID: PMC8962531

Ambry Genetics
Classification: Likely benign for Cardiovascular phenotype. Last evaluated: 2023-03-25. Review status: criteria provided, single submitter. Criteria: Ambry Variant Classification Scheme 2023. Collection method: clinical testing. Allele origin: germline.

Color Diagnostics, LLC DBA Color Health
Classification: Likely benign for Cardiomyopathy. Last evaluated: 2020-06-29. Review status: criteria provided, single submitter. Criteria: ACMG Guidelines, 2015. Collection method: clinical testing. Allele origin: germline.

GeneDx
Classification: Likely benign. Last evaluated: 2020-06-08. Review status: criteria provided, single submitter. Criteria: GeneDx Variant Classification Process June 2021. Collection method: clinical testing. Allele origin: germline. Affected: yes.